The following is an entry in ClinVar:

NM_000057.4(BLM):c.1274G>A (p.Gly425Asp)

Gene: BLM (BLM RecQ like helicase; plus strand). Cytogenetic location: 15q26.1.
Variant type: single nucleotide variant.
Coding change: c.1274G>A on transcript NM_000057.4 (MANE Select); coding-DNA position 1274, G replaced by A.
Protein change: p.Gly425Asp; replaces glycine 425 with aspartic acid.
Molecular consequence: missense variant.
Genome position (GRCh38, 1-based): chr15:90,760,647, G>A. VCF-style: chr15-90760647-G-A. GRCh37 (hg19) VCF-style: chr15-91303877-G-A.
Other names: c.1274G>A, p.Gly425Asp (NM_001287246.2, NM_001287247.2); c.149G>A, p.Gly50Asp (NM_001287248.2); short protein forms G425D, G50D.
Identifiers: ClinVar variation 1000545 (VCV001000545.9), dbSNP rs1244225539, ClinGen allele CA393842708.

ClinVar aggregate classification (germline): Uncertain significance (1 of 4 stars; one submission).

Conditions:
Bloom syndrome (BLM). Also called: Bloom-Torre-Machacek syndrome. Identifiers: Orphanet 125, MedGen C0005859, MONDO:0008876, OMIM 210900.

Submission:

Labcorp Genetics (formerly Invitae), Labcorp
Classification: Uncertain significance for Bloom syndrome. Last evaluated: 2020-09-02. Review status: criteria provided, single submitter. Criteria: Invitae Variant Classification Sherloc (09022015). Collection method: clinical testing. Allele origin: germline.
Comment: In summary, the available evidence is currently insufficient to determine the role of this variant in disease. Therefore, it has been classified as a Variant of Uncertain Significance. Algorithms developed to predict the effect of missense changes on protein structure and function output the following: SIFT: "Tolerated"; PolyPhen-2: "Benign"; Align-GVGD: "Class C0". The aspartic acid amino acid residue is found in multiple mammalian species, suggesting that this missense change does not adversely affect protein function. These predictions have not been confirmed by published functional studies and their clinical significance is uncertain. This variant has not been reported in the literature in individuals with BLM-related conditions. This variant is not present in population databases (ExAC no frequency). This sequence change replaces glycine with aspartic acid at codon 425 of the BLM protein (p.Gly425Asp). The glycine residue is weakly conserved and there is a moderate physicochemical difference between glycine and aspartic acid.